The following is an entry in ClinVar:

ClinVar aggregate classification (germline): Uncertain significance. Review status: criteria provided, multiple submitters, no conflicts (2 of 4 stars). 2 submissions from 2 submitters: Uncertain significance (2). Last evaluated 2024-04-20.

Conditions:
Inborn genetic diseases. Identifiers: MedGen C0950123, MeSH D030342.

Allele frequency attached by ClinVar (database versions not stated): TOPMed below 0.00001; gnomAD 0.00002; gnomAD exomes 0.00007 and 0.00015; ExAC 0.00012.
gnomAD v4.1: 104 of 1,613,958 alleles (0.0064%); highest among the groups gnomAD compares: South Asian, 0.1%; no homozygotes.

Submissions (2):

Labcorp Genetics (formerly Invitae), Labcorp
Classification: Uncertain significance. Last evaluated: 2024-04-20. Review status: criteria provided, single submitter. Criteria: Invitae Variant Classification Sherloc (09022015). Collection method: clinical testing. Allele origin: germline.
Comment: This sequence change replaces alanine, which is neutral and non-polar, with valine, which is neutral and non-polar, at codon 706 of the DSG1 protein (p.Ala706Val). This variant is present in population databases (rs752501004, gnomAD 0.1%). This variant has not been reported in the literature in individuals affected with DSG1-related conditions. ClinVar contains an entry for this variant (Variation ID: 1378536). Advanced modeling of protein sequence and biophysical properties (such as structural, functional, and spatial information, amino acid conservation, physicochemical variation, residue mobility, and thermodynamic stability) performed at Invitae indicates that this missense variant is not expected to disrupt DSG1 protein function with a negative predictive value of 80%. In summary, the available evidence is currently insufficient to determine the role of this variant in disease. Therefore, it has been classified as a Variant of Uncertain Significance.

Ambry Genetics
Classification: Uncertain significance for Inborn genetic diseases. Last evaluated: 2022-02-10. Review status: criteria provided, single submitter. Criteria: Ambry Variant Classification Scheme 2023. Collection method: clinical testing. Allele origin: germline.

NM_001942.4(DSG1):c.2117C>T (p.Ala706Val)

Genes: DSG1 (desmoglein 1; plus strand), DSG1-AS1 (DSG1 antisense RNA 1; minus strand), LOC126862720 (MED14-independent group 3 enhancer GRCh37_chr18:28933613-28934812; plus strand). Cytogenetic location: 18q12.1.
Variant type: single nucleotide variant.
Coding change: c.2117C>T on transcript NM_001942.4 (MANE Select); coding-DNA position 2117, C replaced by T.
Protein change: p.Ala706Val; replaces alanine 706 with valine.
Molecular consequence: missense variant. On other transcripts: non-coding transcript variant (1).
Genome position (GRCh38, 1-based): chr18:31,354,313, C>T. VCF-style: chr18-31354313-C-T. GRCh37 (hg19) VCF-style: chr18-28934276-C-T.
Other names: c.2117C>T (NM_001942.2); short protein forms A706V.
Identifiers: ClinVar variation 1378536 (VCV001378536.9), dbSNP rs752501004, ClinGen allele CA8926286.